The following is an entry in ClinVar:

ClinVar aggregate classification (germline): Uncertain significance (1 of 4 stars; one submission).

Conditions:
Primary ciliary dyskinesia. Also called: Ciliary dyskinesia. Identifiers: Orphanet 244, MedGen C0008780, MONDO:0016575, HP:0012265.

Allele frequency attached by ClinVar (database versions not stated): TOPMed below 0.00001; gnomAD 0.00001; gnomAD exomes 0.00001.
gnomAD v4.1: 12 of 1,613,954 alleles (0.00074%); highest among the groups gnomAD compares: East Asian, 0.0022%; no homozygotes.

Submission:

Labcorp Genetics (formerly Invitae), Labcorp
Classification: Uncertain significance for Primary ciliary dyskinesia. Last evaluated: 2022-07-10. Review status: criteria provided, single submitter. Criteria: Invitae Variant Classification Sherloc (09022015). Collection method: clinical testing. Allele origin: germline.
Comment: This sequence change replaces arginine, which is basic and polar, with histidine, which is basic and polar, at codon 4013 of the DNAH5 protein (p.Arg4013His). This variant is present in population databases (no rsID available, gnomAD 0.1%). This variant has not been reported in the literature in individuals affected with DNAH5-related conditions. Advanced modeling of protein sequence and biophysical properties (such as structural, functional, and spatial information, amino acid conservation, physicochemical variation, residue mobility, and thermodynamic stability) performed at Invitae indicates that this missense variant is not expected to disrupt DNAH5 protein function. In summary, the available evidence is currently insufficient to determine the role of this variant in disease. Therefore, it has been classified as a Variant of Uncertain Significance.

NM_001369.3(DNAH5):c.12038G>A (p.Arg4013His)

Gene: DNAH5 (dynein axonemal heavy chain 5; minus strand). Cytogenetic location: 5p15.2.
Variant type: single nucleotide variant.
Coding change: c.12038G>A on transcript NM_001369.3 (MANE Select); coding-DNA position 12038, G replaced by A.
Protein change: p.Arg4013His; replaces arginine 4013 with histidine.
Molecular consequence: missense variant.
Genome position (GRCh38, 1-based): chr5:13,721,241, C>T on the plus strand (G>A on the coding strand, the complement: DNAH5 is on the minus strand). VCF-style: chr5-13721241-C-T. GRCh37 (hg19) VCF-style: chr5-13721350-C-T.
Other names: short protein forms R4013H.
Identifiers: ClinVar variation 2042301 (VCV002042301.1), dbSNP rs1312294784, ClinGen allele CA359215119.